The following is an entry in ClinVar:

NM_001292063.2(OTOG):c.7916C>T (p.Pro2639Leu)

Gene: OTOG (otogelin; plus strand). Cytogenetic location: 11p15.1.
Variant type: single nucleotide variant.
Coding change: c.7916C>T on transcript NM_001292063.2 (MANE Select); coding-DNA position 7916, C replaced by T.
Protein change: p.Pro2639Leu; replaces proline 2639 with leucine.
Molecular consequence: missense variant.
Genome position (GRCh38, 1-based): chr11:17,639,444, C>T. VCF-style: chr11-17639444-C-T. GRCh37 (hg19) VCF-style: chr11-17660991-C-T.
Other names: c.7952C>T, p.Pro2651Leu (NM_001277269.2); short protein forms P2651L, P2639L.
Identifiers: ClinVar variation 1391602 (VCV001391602.6), dbSNP rs538911042, ClinGen allele CA218455116.

ClinVar aggregate classification (germline): Uncertain significance (1 of 4 stars; one submission).

Allele frequency attached by ClinVar (database versions not stated): gnomAD exomes 0.00002 and 0.00005; gnomAD 0.00004 and 0.00005; TOPMed 0.00008; 1000 Genomes Project 0.00020; 1000 Genomes Project 30x 0.00031.
gnomAD v4.1: 79 of 1,550,708 alleles (0.0051%); highest among the groups gnomAD compares: Middle Eastern, 0.017%; no homozygotes.

Submission:

Labcorp Genetics (formerly Invitae), Labcorp
Classification: Uncertain significance. Last evaluated: 2024-01-02. Review status: criteria provided, single submitter. Criteria: Invitae Variant Classification Sherloc (09022015). Collection method: clinical testing. Allele origin: germline.
Comment: This sequence change replaces proline, which is neutral and non-polar, with leucine, which is neutral and non-polar, at codon 2651 of the OTOG protein (p.Pro2651Leu). This variant is present in population databases (rs538911042, gnomAD 0.006%). This variant has not been reported in the literature in individuals affected with OTOG-related conditions. ClinVar contains an entry for this variant (Variation ID: 1391602). Algorithms developed to predict the effect of missense changes on protein structure and function output the following: SIFT: "Not Available"; PolyPhen-2: "Benign"; Align-GVGD: "Not Available". The leucine amino acid residue is found in multiple mammalian species, which suggests that this missense change does not adversely affect protein function. In summary, the available evidence is currently insufficient to determine the role of this variant in disease. Therefore, it has been classified as a Variant of Uncertain Significance.